The following is an entry in ClinVar:

ClinVar aggregate classification (germline): Benign/Likely benign. Review status: criteria provided, multiple submitters, no conflicts (2 of 4 stars). 8 submissions from 8 submitters: Benign (2); Likely benign (5). 1 of the submissions does not count toward it. Last evaluated 2026-02-01.

Conditions:
Familial thoracic aortic aneurysm and aortic dissection (TAAD). Also called: Thoracic aortic aneurysms and dissections. Identifiers: Orphanet 91387, MedGen C4707243, MONDO:0019625.
COL5A1-related disorder. Also called: COL5A1-related condition.
Ehlers-Danlos syndrome, classic type, 1 (EDSCL1). Also called: EHLERS-DANLOS SYNDROME, GRAVIS TYPE; EHLERS-DANLOS SYNDROME, SEVERE CLASSIC TYPE; Ehlers-Danlos syndrome, type 1; Ehlers-Danlos Syndrome, Classic Type, COL5A1-Related; EDS I. Identifiers: MedGen C0268335, MONDO:0019567, OMIM 130000.

Allele frequency attached by ClinVar (database versions not stated): gnomAD exomes 0.00007 and 0.00015; gnomAD 0.00009; TOPMed 0.00009.
gnomAD v4.1: 230 of 1,549,074 alleles (0.015%); highest among the groups gnomAD compares: Non-Finnish European, 0.019%; no homozygotes.

Submissions (8):

Labcorp Genetics (formerly Invitae), Labcorp
Classification: Likely benign for Ehlers-Danlos syndrome, classic type, 1. Last evaluated: 2026-02-01. Review status: criteria provided, single submitter. Criteria: Invitae Variant Classification Sherloc (09022015). Collection method: clinical testing. Allele origin: germline.

Women's Health and Genetics/Laboratory Corporation of America, LabCorp
Classification: Benign. Last evaluated: 2025-10-13. Review status: criteria provided, single submitter. Criteria: LabCorp Variant Classification Summary - May 2015. Collection method: clinical testing. Allele origin: germline.

ARUP Laboratories, Molecular Genetics and Genomics, ARUP Laboratories
Classification: Likely benign. Last evaluated: 2025-06-23. Review status: criteria provided, single submitter. Criteria: ARUP Molecular Germline Variant Investigation Process 2024. Collection method: clinical testing. Allele origin: germline.

CeGaT Center for Human Genetics Tuebingen
Classification: Likely benign. Last evaluated: 2023-11-01. Review status: criteria provided, single submitter. Criteria: CeGaT Center For Human Genetics Tuebingen Variant Classification Criteria Version 2. Collection method: clinical testing. Allele origin: germline. Affected: yes. Observed: 2 variant alleles.
Comment: COL5A1: BP4, BP7

Blueprint Genetics
Classification: Likely benign. Last evaluated: 2023-04-04. Review status: criteria provided, single submitter. Criteria: ACMG Guidelines, 2015. Collection method: clinical testing. Allele origin: germline.

Ambry Genetics
Classification: Likely benign for Familial thoracic aortic aneurysm and aortic dissection. Last evaluated: 2020-10-06. Review status: criteria provided, single submitter. Criteria: Ambry Variant Classification Scheme 2023. Collection method: clinical testing. Allele origin: germline.

GeneDx
Classification: Benign. Last evaluated: 2015-06-30. Review status: criteria provided, single submitter. Criteria: GeneDx Variant Classification (06012015). Collection method: clinical testing. Allele origin: germline. Affected: yes.
Comment: This variant is considered likely benign or benign based on one or more of the following criteria: it is a conservative change, it occurs at a poorly conserved position in the protein, it is predicted to be benign by multiple in silico algorithms, and/or has population frequency not consistent with disease.

PreventionGenetics, part of Exact Sciences
Classification: Likely benign for COL5A1-related condition. Last evaluated: 2020-03-10. Review status: no assertion criteria provided. Collection method: clinical testing. Allele origin: germline. Not counted in ClinVar's aggregate classification.
Comment: This variant is classified as likely benign based on ACMG/AMP sequence variant interpretation guidelines (Richards et al. 2015 PMID: 25741868, with internal and published modifications).

NM_000093.5(COL5A1):c.3345G>A (p.Pro1115=)

Gene: COL5A1 (collagen type V alpha 1 chain; plus strand). Cytogenetic location: 9q34.3.
Variant type: single nucleotide variant.
Coding change: c.3345G>A on transcript NM_000093.5 (MANE Select); coding-DNA position 3345, G replaced by A.
Protein change: p.Pro1115=; no amino-acid change (proline 1115 retained).
Molecular consequence: synonymous variant.
Genome position (GRCh38, 1-based): chr9:134,806,275, G>A. VCF-style: chr9-134806275-G-A. GRCh37 (hg19) VCF-style: chr9-137698121-G-A.
Other names: p.P1115P:CCG>CCA; c.3345G>A, p.Pro1115= (NM_001278074.1).
Identifiers: ClinVar variation 212899 (VCV000212899.55), dbSNP rs764683617, ClinGen allele CA320974.